The following is an entry in ClinVar:

ClinVar aggregate classification (germline): Uncertain significance. Review status: criteria provided, multiple submitters, no conflicts (2 of 4 stars). 2 submissions from 2 submitters: Uncertain significance (2). Last evaluated 2025-11-03.

Conditions:
Inborn genetic diseases. Identifiers: MedGen C0950123, MeSH D030342.

Allele frequency attached by ClinVar (database versions not stated): TOPMed 0.00001; ExAC 0.00004; gnomAD exomes 0.00012; gnomAD 0.00003.
gnomAD v4.1: 172 of 1,613,980 alleles (0.011%); highest among the groups gnomAD compares: Non-Finnish European, 0.014%; no homozygotes.

Submissions (2):

Labcorp Genetics (formerly Invitae), Labcorp
Classification: Uncertain significance. Last evaluated: 2025-11-03. Review status: criteria provided, single submitter. Criteria: Invitae Variant Classification Sherloc (09022015). Collection method: clinical testing. Allele origin: germline.
Comment: This sequence change replaces threonine, which is neutral and polar, with methionine, which is neutral and non-polar, at codon 359 of the DDX58 protein (p.Thr359Met). This variant is present in population databases (rs759405155, gnomAD 0.01%). This variant has not been reported in the literature in individuals affected with DDX58-related conditions. ClinVar contains an entry for this variant (Variation ID: 2696769). Invitae Evidence Modeling of protein sequence and biophysical properties (such as structural, functional, and spatial information, amino acid conservation, physicochemical variation, residue mobility, and thermodynamic stability) indicates that this missense variant is expected to disrupt DDX58 protein function with a positive predictive value of 80%. In summary, the available evidence is currently insufficient to determine the role of this variant in disease. Therefore, it has been classified as a Variant of Uncertain Significance.

Ambry Genetics
Classification: Uncertain significance for Inborn genetic diseases. Last evaluated: 2022-05-04. Review status: criteria provided, single submitter. Criteria: Ambry Variant Classification Scheme 2023. Collection method: clinical testing. Allele origin: germline.

NM_014314.4(RIGI):c.1076C>T (p.Thr359Met)

Gene: RIGI (RNA sensor RIG-I; minus strand). Cytogenetic location: 9p21.1.
Variant type: single nucleotide variant.
Coding change: c.1076C>T on transcript NM_014314.4 (MANE Select); coding-DNA position 1076, C replaced by T.
Protein change: p.Thr359Met; replaces threonine 359 with methionine.
Molecular consequence: missense variant.
Genome position (GRCh38, 1-based): chr9:32,488,081, G>A on the plus strand (C>T on the coding strand, the complement: RIGI is on the minus strand). VCF-style: chr9-32488081-G-A. GRCh37 (hg19) VCF-style: chr9-32488079-G-A.
Other names: c.1070C>T, p.Thr357Met (NM_001385907.1); c.1076C>T, p.Thr359Met (NM_001385909.1); c.635C>T, p.Thr212Met (NM_001385910.1); c.467C>T, p.Thr156Met (NM_001385912.1); c.1061C>T, p.Thr354Met (NM_001385913.1); c.632C>T, p.Thr211Met (NM_001385914.1); c.1076C>T (NM_014314.3); short protein forms T212M, T357M, T359M, T156M, T211M, T354M.
Identifiers: ClinVar variation 2696769 (VCV002696769.4), dbSNP rs759405155, ClinGen allele CA5019919.
Genomic context (GRCh38, chr9:32,488,081, plus strand): 5'-TTACTAGTGTTGTGGCATTCATCAAATATCATCAAAGTAAAGATGGATAGTGATGGAATC[G>A]TTCCCTTTTTAAGGTTGTTCACAAGAATCTGTGGAGTTAAAATGATGATGTCATTGTTCT-3'
Protein context (NP_055129.2, residues 349-369): QILVNNLKKG[Thr359Met]IPSLSIFTLM